The following is an entry in ClinVar:

ClinVar aggregate classification (germline): Uncertain significance. Review status: criteria provided, multiple submitters, no conflicts (2 of 4 stars). 2 submissions from 2 submitters: Uncertain significance (2). Last evaluated 2024-07-23.

Conditions:
Atrioventricular septal defect 5 (AVSD5). Identifiers: MedGen C3280939, MONDO:0013769, OMIM 614474.

Allele frequency attached by ClinVar (database versions not stated): TOPMed below 0.00001; gnomAD 0.00001; gnomAD exomes 0.00001.
gnomAD v4.1: 9 of 1,189,060 alleles (0.00076%); highest among the groups gnomAD compares: Non-Finnish European, 0.00094%; no homozygotes.

Submissions (2):

GeneDx
Classification: Uncertain significance. Last evaluated: 2024-07-23. Review status: criteria provided, single submitter. Criteria: GeneDx Variant Classification Process June 2021. Collection method: clinical testing. Allele origin: germline. Affected: yes.
Comment: Has not been previously published as pathogenic or benign to our knowledge; Not observed at significant frequency in large population cohorts (gnomAD); In silico analysis indicates that this missense variant does not alter protein structure/function

Labcorp Genetics (formerly Invitae), Labcorp
Classification: Uncertain significance for Atrioventricular septal defect 5. Last evaluated: 2020-01-30. Review status: criteria provided, single submitter. Criteria: Invitae Variant Classification Sherloc (09022015). Collection method: clinical testing. Allele origin: germline.
Comment: In summary, the available evidence is currently insufficient to determine the role of this variant in disease. Therefore, it has been classified as a Variant of Uncertain Significance. This sequence change replaces serine with glycine at codon 237 of the GATA6 protein (p.Ser237Gly). The serine residue is weakly conserved and there is a small physicochemical difference between serine and glycine. The frequency data for this variant in the population databases is considered unreliable, as metrics indicate insufficient coverage at this position in the ExAC database. This variant has not been reported in the literature in individuals with GATA6-related conditions. Algorithms developed to predict the effect of missense changes on protein structure and function output the following: SIFT: "Tolerated"; PolyPhen-2: "Benign"; Align-GVGD: "Class C0". The glycine amino acid residue is found in multiple mammalian species, suggesting that this missense change does not adversely affect protein function. These predictions have not been confirmed by published functional studies and their clinical significance is uncertain.

NM_005257.6(GATA6):c.709A>G (p.Ser237Gly)

Gene: GATA6 (GATA binding protein 6; plus strand). Cytogenetic location: 18q11.2.
Variant type: single nucleotide variant.
Coding change: c.709A>G on transcript NM_005257.6 (MANE Select); coding-DNA position 709, A replaced by G.
Protein change: p.Ser237Gly; replaces serine 237 with glycine.
Molecular consequence: missense variant.
Genome position (GRCh38, 1-based): chr18:22,171,853, A>G. VCF-style: chr18-22171853-A-G. GRCh37 (hg19) VCF-style: chr18-19751814-A-G.
Other names: c.709A>G (NM_005257.4); short protein forms S237G.
Identifiers: ClinVar variation 998410 (VCV000998410.9), dbSNP rs1323110205, ClinGen allele CA401800543.